The following is an entry in ClinVar:

ClinVar aggregate classification (germline): Pathogenic. Review status: criteria provided, single submitter (1 of 4 stars). 2 submissions from 2 submitters: Pathogenic (1). 1 of the submissions does not count toward it. Last evaluated 2024-03-16.

Conditions:
Familial encephalopathy with neuroserpin inclusion bodies. Also called: ENCEPHALOPATHY, FAMILIAL, WITH COLLINS BODIES. Identifiers: Orphanet 85110, MedGen C1858680, MONDO:0011412, OMIM 604218.

Submissions (2):

Labcorp Genetics (formerly Invitae), Labcorp
Classification: Pathogenic for Familial encephalopathy with neuroserpin inclusion bodies. Last evaluated: 2024-03-16. Review status: criteria provided, single submitter. Criteria: Invitae Variant Classification Sherloc (09022015). Collection method: clinical testing. Allele origin: germline.
Comment: This sequence change replaces serine, which is neutral and polar, with proline, which is neutral and non-polar, at codon 49 of the SERPINI1 protein (p.Ser49Pro). This variant is not present in population databases (gnomAD no frequency). This missense change has been observed in individual(s) with SERPINI1-related conditions (PMID: 10517635). It has also been observed to segregate with disease in related individuals. This variant is also known as PI12 Syracuse. ClinVar contains an entry for this variant (Variation ID: 7086). Advanced modeling of protein sequence and biophysical properties (such as structural, functional, and spatial information, amino acid conservation, physicochemical variation, residue mobility, and thermodynamic stability) performed at Invitae indicates that this missense variant is expected to disrupt SERPINI1 protein function with a positive predictive value of 80%. For these reasons, this variant has been classified as Pathogenic.

OMIM
Classification: Pathogenic for ENCEPHALOPATHY, FAMILIAL, WITH NEUROSERPIN INCLUSION BODIES. Last evaluated: 2004-07-02. Review status: no assertion criteria provided. Collection method: literature only. Allele origin: germline. Not counted in ClinVar's aggregate classification.

Literature cited by the submitters: PubMed 10517635 (cited by Labcorp Genetics (formerly Invitae), Labcorp); PubMed 15090543 (cited by OMIM); PubMed 11880376 (cited by OMIM).

NM_001122752.2(SERPINI1):c.145T>C (p.Ser49Pro)

Gene: SERPINI1 (serpin family I member 1; plus strand). Cytogenetic location: 3q26.1.
Variant type: single nucleotide variant.
Coding change: c.145T>C on transcript NM_001122752.2 (MANE Select); coding-DNA position 145, T replaced by C.
Protein change: p.Ser49Pro; replaces serine 49 with proline.
Molecular consequence: missense variant.
Genome position (GRCh38, 1-based): chr3:167,789,273, T>C. VCF-style: chr3-167789273-T-C. GRCh37 (hg19) VCF-style: chr3-167507061-T-C.
Other names: c.145T>C, p.Ser49Pro (NM_005025.5); short protein forms S49P.
Identifiers: ClinVar variation 7086 (VCV000007086.3), dbSNP rs121909051, ClinGen allele CA118615.
Genomic context (GRCh38, chr3:167,789,273, plus strand): 5'-TTGTCAGTGAATATGTATAATCGTCTTAGAGCCACTGGTGAAGATGAAAATATTCTCTTC[T>C]CTCCATTGAGTATTGCTCTTGCAATGGGAATGATGGAACTTGGGGCCCAAGGATCTACCC-3'
Protein context (NP_001116224.1, residues 39-59): ATGEDENILF[Ser49Pro]PLSIALAMGM